The following is an entry in ClinVar:

ClinVar aggregate classification (germline): Uncertain significance. Review status: criteria provided, multiple submitters, no conflicts (2 of 4 stars). 2 submissions from 2 submitters: Uncertain significance (2). Last evaluated 2024-11-05.

Conditions:
CHARGE syndrome (CHARGE). Also called: Hittner Hirsch Kreh syndrome; CHARGE ASSOCIATION--COLOBOMA, HEART ANOMALY, CHOANAL ATRESIA, RETARDATION, GENITAL AND EAR ANOMALIES; Coloboma, heart anomaly, choanal atresia, retardation, genital and ear anomalies; CHARGE association; Hall-Hittner syndrome. Identifiers: Orphanet 138, MedGen C0265354, MONDO:0008965.

Submissions (2):

Labcorp Genetics (formerly Invitae), Labcorp
Classification: Uncertain significance for CHARGE syndrome. Last evaluated: 2024-11-05. Review status: criteria provided, single submitter. Criteria: Invitae Variant Classification Sherloc (09022015). Collection method: clinical testing. Allele origin: germline.
Comment: This sequence change replaces phenylalanine, which is neutral and non-polar, with serine, which is neutral and polar, at codon 2775 of the CHD7 protein (p.Phe2775Ser). This variant is not present in population databases (gnomAD no frequency). This variant has not been reported in the literature in individuals affected with CHD7-related conditions. ClinVar contains an entry for this variant (Variation ID: 2504287). Invitae Evidence Modeling of protein sequence and biophysical properties (such as structural, functional, and spatial information, amino acid conservation, physicochemical variation, residue mobility, and thermodynamic stability) has been performed for this missense variant. However, the output from this modeling did not meet the statistical confidence thresholds required to predict the impact of this variant on CHD7 protein function. In summary, the available evidence is currently insufficient to determine the role of this variant in disease. Therefore, it has been classified as a Variant of Uncertain Significance.

GeneDx
Classification: Uncertain significance. Last evaluated: 2022-11-30. Review status: criteria provided, single submitter. Criteria: GeneDx Variant Classification Process June 2021. Collection method: clinical testing. Allele origin: germline. Affected: yes.
Comment: Not observed at significant frequency in large population cohorts (gnomAD); In silico analysis supports that this missense variant has a deleterious effect on protein structure/function; Has not been previously published as pathogenic or benign to our knowledge

NM_017780.4(CHD7):c.8324T>C (p.Phe2775Ser)

Gene: CHD7 (chromodomain helicase DNA binding protein 7; plus strand). Cytogenetic location: 8q12.2.
Variant type: single nucleotide variant.
Coding change: c.8324T>C on transcript NM_017780.4 (MANE Select); coding-DNA position 8324, T replaced by C.
Protein change: p.Phe2775Ser; replaces phenylalanine 2775 with serine.
Molecular consequence: missense variant.
Genome position (GRCh38, 1-based): chr8:60,865,263, T>C. VCF-style: chr8-60865263-T-C. GRCh37 (hg19) VCF-style: chr8-61777822-T-C.
Other names: c.2177T>C, p.Phe726Ser (NM_001316690.1); short protein forms F2775S, F726S.
Identifiers: ClinVar variation 2504287 (VCV002504287.3), dbSNP rs2488145315, ClinGen allele CA371308388.